The following is an entry in ClinVar:

NM_004304.5(ALK):c.3334C>T (p.Pro1112Ser)

Gene: ALK (ALK receptor tyrosine kinase; minus strand). Cytogenetic location: 2p23.2.
Variant type: single nucleotide variant.
Coding change: c.3334C>T on transcript NM_004304.5 (MANE Select); coding-DNA position 3334, C replaced by T.
Protein change: p.Pro1112Ser; replaces proline 1112 with serine.
Molecular consequence: missense variant.
Genome position (GRCh38, 1-based): chr2:29,223,367, G>A on the plus strand (C>T on the coding strand, the complement: ALK is on the minus strand). VCF-style: chr2-29223367-G-A. GRCh37 (hg19) VCF-style: chr2-29446233-G-A.
Other names: c.130C>T, p.Pro44Ser (NM_001353765.2); short protein forms P1112S, P44S.
Identifiers: ClinVar variation 1460768 (VCV001460768.8), dbSNP rs2148170705, ClinGen allele CA346464682.

ClinVar aggregate classification (germline): Uncertain significance (1 of 4 stars; one submission).

Conditions:
Neuroblastoma, susceptibility to, 3. Also called: ALK-Related Neuroblastic Tumor Susceptibility. Identifiers: Orphanet 635, MedGen C2751681, MONDO:0013083, OMIM 613014.

Submission:

Labcorp Genetics (formerly Invitae), Labcorp
Classification: Uncertain significance for Neuroblastoma, susceptibility to, 3. Last evaluated: 2021-02-12. Review status: criteria provided, single submitter. Criteria: Invitae Variant Classification Sherloc (09022015). Collection method: clinical testing. Allele origin: germline.
Comment: This sequence change replaces proline with serine at codon 1112 of the ALK protein (p.Pro1112Ser). The proline residue is highly conserved and there is a moderate physicochemical difference between proline and serine. In summary, the available evidence is currently insufficient to determine the role of this variant in disease. Therefore, it has been classified as a Variant of Uncertain Significance. Algorithms developed to predict the effect of missense changes on protein structure and function (SIFT, PolyPhen-2, Align-GVGD) all suggest that this variant is likely to be tolerated, but these predictions have not been confirmed by published functional studies and their clinical significance is uncertain. This variant has not been reported in the literature in individuals with ALK-related conditions. This variant is not present in population databases (ExAC no frequency).